The following is an entry in ClinVar:

ClinVar aggregate classification (germline): Uncertain significance. Review status: criteria provided, multiple submitters, no conflicts (2 of 4 stars). 3 submissions from 3 submitters: Uncertain significance (3). Last evaluated 2025-05-13.

Conditions:
Hereditary nonpolyposis colorectal neoplasms. Identifiers: MedGen C0009405, MeSH D003123.
Hereditary cancer-predisposing syndrome. Also called: Tumor predisposition; Hereditary Cancer Syndrome; Hereditary neoplastic syndrome; Neoplastic Syndromes, Hereditary. Identifiers: Orphanet 140162, MedGen C0027672, MeSH D009386, MONDO:0015356.

Allele frequency attached by ClinVar (database versions not stated): gnomAD exomes below 0.00001; gnomAD 0.00001; TOPMed 0.00001.
gnomAD v4.1: 6 of 1,611,486 alleles (0.00037%); highest among the groups gnomAD compares: African/African-American, 0.0053%; no homozygotes.

Submissions (3):

Color Diagnostics, LLC DBA Color Health
Classification: Uncertain significance for Hereditary cancer-predisposing syndrome. Last evaluated: 2025-05-13. Review status: criteria provided, single submitter. Criteria: ACMG Guidelines, 2015. Collection method: clinical testing. Allele origin: germline.
Comment: This missense variant replaces proline with alanine at codon 150 of the PMS2 protein. Computational prediction suggests that this variant may not impact protein structure and function To our knowledge, functional studies have not been reported for this variant. This variant has not been reported in individuals affected with PMS2-related disorders in the literature. This variant has been identified in 1/251004 chromosomes in the general population by the Genome Aggregation Database (gnomAD). The available evidence is insufficient to determine the role of this variant in disease conclusively. Therefore, this variant is classified as a Variant of Uncertain Significance.

Labcorp Genetics (formerly Invitae), Labcorp
Classification: Uncertain significance for Hereditary nonpolyposis colorectal neoplasms. Last evaluated: 2023-10-16. Review status: criteria provided, single submitter. Criteria: Invitae Variant Classification Sherloc (09022015). Collection method: clinical testing. Allele origin: germline.
Comment: This sequence change replaces proline, which is neutral and non-polar, with alanine, which is neutral and non-polar, at codon 150 of the PMS2 protein (p.Pro150Ala). This variant is present in population databases (no rsID available, gnomAD 0.007%). This variant has not been reported in the literature in individuals affected with PMS2-related conditions. ClinVar contains an entry for this variant (Variation ID: 411070). Advanced modeling of protein sequence and biophysical properties (such as structural, functional, and spatial information, amino acid conservation, physicochemical variation, residue mobility, and thermodynamic stability) performed at Invitae indicates that this missense variant is not expected to disrupt PMS2 protein function. In summary, the available evidence is currently insufficient to determine the role of this variant in disease. Therefore, it has been classified as a Variant of Uncertain Significance.

Ambry Genetics
Classification: Uncertain significance for Hereditary cancer-predisposing syndrome. Last evaluated: 2023-04-03. Review status: criteria provided, single submitter. Criteria: Ambry Variant Classification Scheme 2023. Collection method: clinical testing. Allele origin: germline.
Comment: The p.P150A variant (also known as c.448C>G), located in coding exon 5 of the PMS2 gene, results from a C to G substitution at nucleotide position 448. The proline at codon 150 is replaced by alanine, an amino acid with highly similar properties. This amino acid position is well conserved in available vertebrate species. In addition, the in silico prediction for this alteration is inconclusive. Since supporting evidence is limited at this time, the clinical significance of this alteration remains unclear.

NM_000535.7(PMS2):c.448C>G (p.Pro150Ala)

Gene: PMS2 (PMS1 homolog 2, mismatch repair system component; minus strand). Cytogenetic location: 7p22.1.
Variant type: single nucleotide variant.
Coding change: c.448C>G on transcript NM_000535.7 (MANE Select); coding-DNA position 448, C replaced by G.
Protein change: p.Pro150Ala; replaces proline 150 with alanine.
Molecular consequence: missense variant. On other transcripts: 5 prime UTR variant (2), non-coding transcript variant (1).
Genome position (GRCh38, 1-based): chr7:6,002,542, G>C on the plus strand (C>G on the coding strand, the complement: PMS2 is on the minus strand). VCF-style: chr7-6002542-G-C. GRCh37 (hg19) VCF-style: chr7-6042173-G-C.
Other names: c.43C>G, p.Pro15Ala (NM_001322003.2, NM_001322004.2, NM_001322005.2 and 3 more transcripts); c.448C>G, p.Pro150Ala (NM_001322006.2, NM_001322014.2); c.130C>G, p.Pro44Ala (NM_001322007.2, NM_001322008.2); c.-437C>G (NM_001322011.2, NM_001322012.2); c.139C>G, p.Pro47Ala (NM_001322015.2); short protein forms P150A, P47A, P15A, P44A.
Identifiers: ClinVar variation 411070 (VCV000411070.14), dbSNP rs1060503120, ClinGen allele CA16612233.
Genomic context (GRCh38, chr7:6,002,542, plus strand): 5'-GGCGCACAGGTAGTGTGGAAAATAACTGCTGCACGCTGACTGTGGTCCCTCTGGGGCGGG[G>C]GTAGGGGGTTTTCTGGATAATTTTCCCATTGTGATCAAACATCAGTCGAGTTCCAACCTT-3'
Protein context (NP_000526.2, residues 140-160): NGKIIQKTPY[Pro150Ala]RPRGTTVSVQ